The following is an entry in ClinVar:

NM_021971.4(GMPPB):c.850G>A (p.Val284Met)

Gene: GMPPB (GDP-mannose pyrophosphorylase B; minus strand). Cytogenetic location: 3p21.31.
Variant type: single nucleotide variant.
Coding change: c.850G>A on transcript NM_021971.4 (MANE Select); coding-DNA position 850, G replaced by A.
Protein change: p.Val284Met; replaces valine 284 with methionine.
Molecular consequence: missense variant.
Genome position (GRCh38, 1-based): chr3:49,722,066, C>T on the plus strand (G>A on the coding strand, the complement: GMPPB is on the minus strand). VCF-style: chr3-49722066-C-T. GRCh37 (hg19) VCF-style: chr3-49759499-C-T.
Other names: c.850G>A, p.Val284Met (NM_013334.4); short protein forms V284M.
Identifiers: ClinVar variation 1371179 (VCV001371179.6), dbSNP rs2108210918, ClinGen allele CA352827340.

ClinVar aggregate classification (germline): Uncertain significance (1 of 4 stars; one submission).

Conditions:
Muscular dystrophy-dystroglycanopathy (congenital with impaired intellectual development), type B, 14. Also called: Congenital muscular dystrophy-dystroglycanopathy with mental retardation, type B14; Muscular dystrophy-dystroglycanopathy (congenital with intellectual disability), type B14; MUSCULAR DYSTROPHY, CONGENITAL, GMPPB-RELATED. Identifiers: MedGen C3809221, MONDO:0014141, OMIM 615351.
Autosomal recessive limb-girdle muscular dystrophy type 2T. Also called: Limb-girdle muscular dystrophy-dystroglycanopathy, type C14; MUSCULAR DYSTROPHY-DYSTROGLYCANOPATHY, LIMB-GIRDLE, GMPPB-RELATED; MUSCULAR DYSTROPHY, LIMB-GIRDLE, TYPE 2T; Muscular dystrophy-dystroglycanopathy (limb-girdle), type c, 14. Identifiers: Orphanet 363623, MedGen C4518000, MONDO:0014142, OMIM 615352.
Muscular dystrophy-dystroglycanopathy (congenital with brain and eye anomalies), type A14. Also called: Congenital muscular dystrophy-dystroglycanopathy with brain and eye anomalies, type A14; WALKER-WARBURG SYNDROME OR MUSCLE-EYE-BRAIN DISEASE, GMPPB-RELATED; Muscular dystrophy-dystroglycanopathy (congenital with brain and eye anomalies), type a, 14; Congenital Muscular Dystrophy-Dystroglycanopathy with Brain and Eye Anomalies Type A 14. Identifiers: Orphanet 588, MedGen C3809216, MONDO:0014140, OMIM 615350.

Submission:

Labcorp Genetics (formerly Invitae), Labcorp
Classification: Uncertain significance for Autosomal recessive limb-girdle muscular dystrophy type 2T; Muscular dystrophy-dystroglycanopathy (congenital with brain and eye anomalies), type A14; Muscular dystrophy-dystroglycanopathy (congenital with impaired intellectual development), type B, 14. Last evaluated: 2022-11-29. Review status: criteria provided, single submitter. Criteria: Invitae Variant Classification Sherloc (09022015). Collection method: clinical testing. Allele origin: germline.
Comment: In summary, the available evidence is currently insufficient to determine the role of this variant in disease. Therefore, it has been classified as a Variant of Uncertain Significance. Algorithms developed to predict the effect of sequence changes on RNA splicing suggest that this variant may create or strengthen a splice site. Advanced modeling of protein sequence and biophysical properties (such as structural, functional, and spatial information, amino acid conservation, physicochemical variation, residue mobility, and thermodynamic stability) performed at Invitae indicates that this missense variant is expected to disrupt GMPPB protein function. ClinVar contains an entry for this variant (Variation ID: 1371179). This variant has not been reported in the literature in individuals affected with GMPPB-related conditions. This variant is not present in population databases (gnomAD no frequency). This sequence change replaces valine, which is neutral and non-polar, with methionine, which is neutral and non-polar, at codon 284 of the GMPPB protein (p.Val284Met).